The following is an entry in ClinVar:

ClinVar aggregate classification (germline): Uncertain significance. Review status: criteria provided, single submitter (1 of 4 stars). 2 submissions from 2 submitters: Uncertain significance (1). 1 of the submissions does not count toward it. Last evaluated 2016-02-11.

Conditions:
Familial cancer of breast. Also called: BREAST CANCER, FAMILIAL; Hereditary breast cancer; hereditary breast carcinoma. Identifiers: Orphanet 227535, MedGen C0346153, MONDO:0016419, OMIM 114480. Disease mechanism: loss of function.

Allele frequency attached by ClinVar (database versions not stated): gnomAD exomes below 0.00001.
gnomAD v4.1: 2 of 1,594,562 alleles (0.00013%); highest among the groups gnomAD compares: Admixed American, 0.0017%; no homozygotes.

Submissions (2):

GeneDx
Classification: Uncertain significance. Last evaluated: 2016-02-11. Review status: criteria provided, single submitter. Criteria: GeneDx Variant Classification (06012015). Collection method: clinical testing. Allele origin: germline. Affected: yes.
Comment: This variant is denoted BARD1 c.1569-12T>G or IVS6-12T>G and consists of a T>G nucleotide substitution at the -12 position of intron 6 of the BARD1 gene. Multiple in silico models predict this variant to weaken the nearby natural acceptor site, and to possibly cause abnormal gene splicing; however, in the absence of RNA or functional studies, the actual effect of this variant is unknown. This variant has not, to our knowledge, been published in the literature as pathogenic or benign. BARD1 c.1569-12T>G was not observed in approximately 6,500 individuals of European and African American ancestry in the NHLBI Exome Sequencing Project, suggesting it is not a common benign variant in these populations. The thymine (T) nucleotide that is altered is conserved across species. Based on currently available information, it is unclear whether BARD1 c.1569-12T>G is pathogenic or benign. We consider it to be a variant of uncertain significance.

King Laboratory, University of Washington
Classification: Pathogenic for Familial cancer of breast. Last evaluated: 2019-09-01. Review status: no assertion criteria provided. Collection method: research. Allele origin: germline. Affected: yes. Not counted in ClinVar's aggregate classification.
Comment: Transcript analysis by cBROCA

Literature cited by the submitters: PubMed 31843900 (cited by King Laboratory, University of Washington).

NM_000465.4(BARD1):c.1569-12T>G

Gene: BARD1 (BRCA1 associated RING domain 1; minus strand). Cytogenetic location: 2q35.
Variant type: single nucleotide variant.
Coding change: c.1569-12T>G on transcript NM_000465.4 (MANE Select); 12 bases into the intron before coding-DNA position 1569, T replaced by G.
Molecular consequence: intron variant.
Genome position (GRCh38, 1-based): chr2:214,752,567, A>C on the plus strand (T>G on the coding strand, the complement: BARD1 is on the minus strand). VCF-style: chr2-214752567-A-C. GRCh37 (hg19) VCF-style: chr2-215617291-A-C.
Other names: c.1569-12T>G (LRG_297t1); c.159-12T>G (NM_001282548.2); c.1512-12T>G (NM_001282543.2); c.216-12T>G (NM_001282545.2); c.365-22059T>G (NM_001282549.2).
Identifiers: ClinVar variation 246411 (VCV000246411.6), dbSNP rs879254246, ClinGen allele CA10584176.